The following is an entry in ClinVar:

NM_000348.4(SRD5A2):c.427G>C (p.Asp143His)

Gene: SRD5A2 (steroid 5 alpha-reductase 2; minus strand). Cytogenetic location: 2p23.1.
Variant type: single nucleotide variant.
Coding change: c.427G>C on transcript NM_000348.4 (MANE Select); coding-DNA position 427, G replaced by C.
Protein change: p.Asp143His; replaces aspartic acid 143 with histidine.
Molecular consequence: missense variant.
Genome position (GRCh38, 1-based): chr2:31,533,621, C>G on the plus strand (G>C on the coding strand, the complement: SRD5A2 is on the minus strand). VCF-style: chr2-31533621-C-G. GRCh37 (hg19) VCF-style: chr2-31758691-C-G.
Other names: short protein forms D143H.
Identifiers: ClinVar variation 2650802 (VCV002650802.24), dbSNP rs1486964877, ClinGen allele CA346598440.

ClinVar aggregate classification (germline): Uncertain significance (1 of 4 stars; one submission).

Allele frequency attached by ClinVar (database versions not stated): gnomAD exomes below 0.00001; TOPMed below 0.00001; gnomAD 0.00001.
gnomAD v4.1: 7 of 1,552,298 alleles (0.00045%); highest among the groups gnomAD compares: Non-Finnish European, 0.00052%; no homozygotes.

Submission:

CeGaT Center for Human Genetics Tuebingen
Classification: Uncertain significance. Last evaluated: 2022-12-01. Review status: criteria provided, single submitter. Criteria: CeGaT Center For Human Genetics Tuebingen Variant Classification Criteria Version 2. Collection method: clinical testing. Allele origin: germline. Affected: yes. Observed: 1 variant allele.
Comment: SRD5A2: PM2, BP4